The following is an entry in ClinVar:

ClinVar aggregate classification (germline): Pathogenic (1 of 4 stars; one submission).

Conditions:
Lynch syndrome. Identifiers: Orphanet 144, MedGen C4552100, MONDO:0005835. Disease mechanism: loss of function.

Submission:

Labcorp Genetics (formerly Invitae), Labcorp
Classification: Pathogenic for Hereditary nonpolyposis colorectal neoplasms. Last evaluated: 2016-06-01. Review status: criteria provided, single submitter. Criteria: Invitae Variant Classification Sherloc (09022015). Collection method: clinical testing. Allele origin: germline.
Comment: This variant is a gross deletion of the genomic region encompassing exons 2-7 and the first 89 nucleotides of exon 8 of the MSH6 gene (c.261-3237_3735del). The 5' breakpoint of this deletion is within intron 1 at c.261-3237; the 3' breakpoint is within exon 8 at c.3735. This creates a premature translational stop signal and is expected to result in an absent or disrupted protein product. While this particular variant has not been reported in the literature, truncating variants in MSH6 are known to be pathogenic (PMID: 24362816, 18269114). For these reasons, this variant has been classified as Pathogenic.

NM_000179.2(MSH6):c.261-3237_3735del

Gene: MSH6 (mutS homolog 6; plus strand). Cytogenetic location: 2p16.3.
Variant type: Deletion.
Coding change: c.261-3237_3735del on transcript NM_000179.2; 3237 bases into the intron before coding-DNA position 261 through coding-DNA position 3735, this stretch deleted.
Other names: c.261-3237_3735del (LRG_219t1).
Identifiers: ClinVar variation 410434 (VCV000410434.1).